The following is an entry in ClinVar:

NC_000005.9:g.(?_54518759)_(54518871_?)del

Gene: MCIDAS (multiciliate differentiation and DNA synthesis associated cell cycle protein; minus strand). Cytogenetic location: 5q11.2.
Variant type: Deletion.
Identifiers: ClinVar variation 1459598 (VCV001459598.13).

ClinVar aggregate classification (germline): Pathogenic (1 of 4 stars; one submission).

Conditions:
Primary ciliary dyskinesia. Also called: Ciliary dyskinesia. Identifiers: Orphanet 244, MedGen C0008780, MONDO:0016575, HP:0012265.

Submission:

Labcorp Genetics (formerly Invitae), Labcorp
Classification: Pathogenic for Primary ciliary dyskinesia. Last evaluated: 2022-06-27. Review status: criteria provided, single submitter. Criteria: Invitae Variant Classification Sherloc (09022015). Collection method: clinical testing. Allele origin: germline.
Comment: For these reasons, this variant has been classified as Pathogenic. This variant has not been reported in the literature in individuals affected with MCIDAS-related conditions. This variant is a gross deletion of the genomic region encompassing exon(s) 4 of the MCIDAS gene. This deletion is out-of-frame, and is expected to create a premature termination codon and result in an absent or disrupted protein product. Loss-of-function variants in MCIDAS are known to be pathogenic (PMID: 25048963).

Literature cited by the submitters: PubMed 25048963.